The following is an entry in ClinVar:

NM_001377137.1(GBF1):c.948G>A (p.Gly316=)

Gene: GBF1 (golgi brefeldin A resistant guanine nucleotide exchange factor 1; plus strand). Cytogenetic location: 10q24.32.
Variant type: single nucleotide variant.
Coding change: c.948G>A on transcript NM_001377137.1 (MANE Select); coding-DNA position 948, G replaced by A.
Protein change: p.Gly316=; no amino-acid change (glycine 316 retained).
Molecular consequence: synonymous variant. On other transcripts: non-coding transcript variant (5).
Genome position (GRCh38, 1-based): chr10:102,358,666, G>A. VCF-style: chr10-102358666-G-A. GRCh37 (hg19) VCF-style: chr10-104118423-G-A.
Other names: c.948G>A, p.Gly316= (NM_001199378.2, NM_001199379.2, NM_001377138.1 and 13 more transcripts); c.1047G>A, p.Gly349= (NM_001391922.1, NM_001411027.1); c.1023G>A, p.Gly341= (NM_001411003.1).
Identifiers: ClinVar variation 4083702 (VCV004083702.8).

ClinVar aggregate classification (germline): Likely benign (1 of 4 stars; one submission).

Submission:

CeGaT Center for Human Genetics Tuebingen
Classification: Likely benign. Last evaluated: 2025-08-01. Review status: criteria provided, single submitter. Criteria: CeGaT Center For Human Genetics Tuebingen Variant Classification Criteria Version 2. Collection method: clinical testing. Allele origin: germline. Affected: yes. Observed: 1 variant allele.
Comment: GBF1: BP4, BP7, BS1